The following is an entry in ClinVar:

ClinVar aggregate classification (germline): Uncertain significance (1 of 4 stars; one submission).

Conditions:
Charcot-Marie-Tooth disease axonal type 2P. Also called: CHARCOT-MARIE-TOOTH DISEASE, AXONAL, TYPE 2G; CMT 2G; Charcot-Marie-Tooth Neuropathy Type 2G; CHARCOT-MARIE-TOOTH NEUROPATHY, TYPE 2P. Identifiers: Orphanet 300319, Orphanet 99941, MedGen C3280797, MONDO:0013753, OMIM 614436.

Allele frequency attached by ClinVar (database versions not stated): TOPMed 0.00004.
gnomAD v4.1: 36 of 1,612,246 alleles (0.0022%); highest among the groups gnomAD compares: Admixed American, 0.048%; no homozygotes.

Submission:

Labcorp Genetics (formerly Invitae), Labcorp
Classification: Uncertain significance for Charcot-Marie-Tooth disease axonal type 2P. Last evaluated: 2025-08-05. Review status: criteria provided, single submitter. Criteria: Invitae Variant Classification Sherloc (09022015). Collection method: clinical testing. Allele origin: germline.
Comment: This sequence change replaces asparagine, which is neutral and polar, with lysine, which is basic and polar, at codon 125 of the LRSAM1 protein (p.Asn125Lys). This variant is present in population databases (rs779873656, gnomAD 0.04%). This variant has not been reported in the literature in individuals affected with LRSAM1-related conditions. ClinVar contains an entry for this variant (Variation ID: 575089). Invitae Evidence Modeling of protein sequence and biophysical properties (such as structural, functional, and spatial information, amino acid conservation, physicochemical variation, residue mobility, and thermodynamic stability) indicates that this missense variant is not expected to disrupt LRSAM1 protein function with a negative predictive value of 80%. In summary, the available evidence is currently insufficient to determine the role of this variant in disease. Therefore, it has been classified as a Variant of Uncertain Significance.

NM_001005373.4(LRSAM1):c.375C>A (p.Asn125Lys)

Gene: LRSAM1 (leucine rich repeat and sterile alpha motif containing 1; plus strand). Cytogenetic location: 9q33.3.
Variant type: single nucleotide variant.
Coding change: c.375C>A on transcript NM_001005373.4 (MANE Select); coding-DNA position 375, C replaced by A.
Protein change: p.Asn125Lys; replaces asparagine 125 with lysine.
Molecular consequence: missense variant. On other transcripts: 5 prime UTR variant (1), non-coding transcript variant (2).
Genome position (GRCh38, 1-based): chr9:127,461,226, C>A. VCF-style: chr9-127461226-C-A. GRCh37 (hg19) VCF-style: chr9-130223505-C-A.
Other names: c.375C>A, p.Asn125Lys (NM_001005374.4, NM_001190723.3, NM_001384142.1 and 2 more transcripts); c.-410C>A (NM_001384144.1); short protein forms N125K.
Identifiers: ClinVar variation 575089 (VCV000575089.8), dbSNP rs779873656, ClinGen allele CA5246524.